The following is an entry in ClinVar:

ClinVar aggregate classification (germline): Uncertain significance (1 of 4 stars; one submission).

Submission:

Labcorp Genetics (formerly Invitae), Labcorp
Classification: Uncertain significance. Last evaluated: 2025-04-10. Review status: criteria provided, single submitter. Criteria: Invitae Variant Classification Sherloc (09022015). Collection method: clinical testing. Allele origin: germline.
Comment: This sequence change replaces threonine, which is neutral and polar, with isoleucine, which is neutral and non-polar, at codon 193 of the SPTA1 protein (p.Thr193Ile). This variant is not present in population databases (gnomAD no frequency). This variant has not been reported in the literature in individuals affected with SPTA1-related conditions. Invitae Evidence Modeling of protein sequence and biophysical properties (such as structural, functional, and spatial information, amino acid conservation, physicochemical variation, residue mobility, and thermodynamic stability) indicates that this missense variant is not expected to disrupt SPTA1 protein function with a negative predictive value of 80%. In summary, the available evidence is currently insufficient to determine the role of this variant in disease. Therefore, it has been classified as a Variant of Uncertain Significance.

NM_003126.4(SPTA1):c.578C>T (p.Thr193Ile)

Gene: SPTA1 (spectrin alpha, erythrocytic 1; minus strand). Cytogenetic location: 1q23.1.
Variant type: single nucleotide variant.
Coding change: c.578C>T on transcript NM_003126.4 (MANE Select); coding-DNA position 578, C replaced by T.
Protein change: p.Thr193Ile; replaces threonine 193 with isoleucine.
Molecular consequence: missense variant.
Genome position (GRCh38, 1-based): chr1:158,680,683, G>A on the plus strand (C>T on the coding strand, the complement: SPTA1 is on the minus strand). VCF-style: chr1-158680683-G-A. GRCh37 (hg19) VCF-style: chr1-158650473-G-A.
Other names: short protein forms T193I.
Identifiers: ClinVar variation 4762036 (VCV004762036.1).